The following is an entry in ClinVar:

ClinVar aggregate classification (germline): Uncertain significance (1 of 4 stars; one submission).

Conditions:
Familial hemophagocytic lymphohistiocytosis 3 (FHL3). Also called: UNC13D-Related Familial Hemophagocytic Lymphohistiocytosis (UNC13D-fHLH). Identifiers: Orphanet 540, MedGen C1837174, MONDO:0012146, OMIM 608898.

Allele frequency attached by ClinVar (database versions not stated): ExAC 0.00001.

Submission:

Labcorp Genetics (formerly Invitae), Labcorp
Classification: Uncertain significance for Familial hemophagocytic lymphohistiocytosis 3. Last evaluated: 2025-05-12. Review status: criteria provided, single submitter. Criteria: Invitae Variant Classification Sherloc (09022015). Collection method: clinical testing. Allele origin: germline.
Comment: This sequence change replaces aspartic acid, which is acidic and polar, with asparagine, which is neutral and polar, at codon 272 of the UNC13D protein (p.Asp272Asn). This variant is present in population databases (rs757397850, gnomAD 0.007%). This variant has not been reported in the literature in individuals affected with UNC13D-related conditions. ClinVar contains an entry for this variant (Variation ID: 2003142). Invitae Evidence Modeling of protein sequence and biophysical properties (such as structural, functional, and spatial information, amino acid conservation, physicochemical variation, residue mobility, and thermodynamic stability) indicates that this missense variant is not expected to disrupt UNC13D protein function with a negative predictive value of 80%. In summary, the available evidence is currently insufficient to determine the role of this variant in disease. Therefore, it has been classified as a Variant of Uncertain Significance.

NM_199242.3(UNC13D):c.814G>A (p.Asp272Asn)

Gene: UNC13D (unc-13 homolog D; minus strand). Cytogenetic location: 17q25.1.
Variant type: single nucleotide variant.
Coding change: c.814G>A on transcript NM_199242.3 (MANE Select); coding-DNA position 814, G replaced by A.
Protein change: p.Asp272Asn; replaces aspartic acid 272 with asparagine.
Molecular consequence: missense variant.
Genome position (GRCh38, 1-based): chr17:75,840,269, C>T on the plus strand (G>A on the coding strand, the complement: UNC13D is on the minus strand). VCF-style: chr17-75840269-C-T. GRCh37 (hg19) VCF-style: chr17-73836350-C-T.
Other names: short protein forms D272N.
Identifiers: ClinVar variation 2003142 (VCV002003142.4), dbSNP rs757397850, ClinGen allele CA8773267.